The following is an entry in ClinVar:

ClinVar aggregate classification (germline): Pathogenic. Review status: criteria provided, single submitter (1 of 4 stars). 2 submissions from 2 submitters: Pathogenic (1). 1 of the submissions does not count toward it. Last evaluated 2025-08-24.

Conditions:
Osteoporosis with pseudoglioma (OPPG). Also called: osteoporosis-pseudoglioma syndrome. Identifiers: Orphanet 2788, MedGen C0432252, MONDO:0009820, OMIM 259770.

Submissions (2):

Labcorp Genetics (formerly Invitae), Labcorp
Classification: Pathogenic. Last evaluated: 2025-08-24. Review status: criteria provided, single submitter. Criteria: Invitae Variant Classification Sherloc (09022015). Collection method: clinical testing. Allele origin: germline.
Comment: This sequence change creates a premature translational stop signal (p.Glu485*) in the LRP5 gene. It is expected to result in an absent or disrupted protein product. Loss-of-function variants in LRP5 are known to be pathogenic (PMID: 11719191, 16252235, 25711638). This variant is not present in population databases (gnomAD no frequency). This premature translational stop signal has been observed in individual(s) with osteoporosis-pseudoglioma syndrome (PMID: 11719191). ClinVar contains an entry for this variant (Variation ID: 6277). Algorithms developed to predict the effect of sequence changes on RNA splicing suggest that this variant may disrupt the consensus splice site. For these reasons, this variant has been classified as Pathogenic.

OMIM
Classification: Pathogenic for OSTEOPOROSIS-PSEUDOGLIOMA SYNDROME. Last evaluated: 2001-11-16. Review status: no assertion criteria provided. Collection method: literature only. Allele origin: germline. Not counted in ClinVar's aggregate classification.

Literature cited by the submitters: PubMed 11719191 (cited by Labcorp Genetics (formerly Invitae), Labcorp and OMIM); PubMed 16252235 (cited by Labcorp Genetics (formerly Invitae), Labcorp); PubMed 25711638 (cited by Labcorp Genetics (formerly Invitae), Labcorp).

NM_002335.4(LRP5):c.1453G>T (p.Glu485Ter)

Gene: LRP5 (LDL receptor related protein 5; plus strand). Cytogenetic location: 11q13.2.
Variant type: single nucleotide variant.
Coding change: c.1453G>T on transcript NM_002335.4 (MANE Select); coding-DNA position 1453, G replaced by T.
Protein change: p.Glu485Ter; replaces glutamic acid 485 with a stop codon.
Molecular consequence: nonsense. On other transcripts: intron variant (1).
Genome position (GRCh38, 1-based): chr11:68,389,921, G>T. VCF-style: chr11-68389921-G-T. GRCh37 (hg19) VCF-style: chr11-68157389-G-T.
Other names: c.-354+3209G>T (NM_001291902.2); short protein forms E485*.
Identifiers: ClinVar variation 6277 (VCV000006277.2), dbSNP rs121908666, ClinGen allele CA118091.